The following is an entry in ClinVar:

ClinVar aggregate classification (germline): Benign. Review status: criteria provided, multiple submitters, no conflicts (2 of 4 stars). 3 submissions from 3 submitters: Benign (3). Last evaluated 2026-01-22.

Allele frequency attached by ClinVar (database versions not stated): gnomAD 0.02758 and 0.02918; 1000 Genomes Project 0.03020; 1000 Genomes Project 30x 0.03163; TOPMed 0.03218; ESP Exome Variant Server 0.03410; gnomAD exomes 0.00260 and 0.00774; ExAC 0.01381.
gnomAD v4.1: 5,976 of 1,171,779 alleles (0.51%); highest among the groups gnomAD compares: African/African-American, 9%; 218 homozygotes.

Submissions (3):

Labcorp Genetics (formerly Invitae), Labcorp
Classification: Benign. Last evaluated: 2026-01-22. Review status: criteria provided, single submitter. Criteria: Invitae Variant Classification Sherloc (09022015). Collection method: clinical testing. Allele origin: germline.

GeneDx
Classification: Benign. Last evaluated: 2015-12-10. Review status: criteria provided, single submitter. Criteria: GeneDx Variant Classification (06012015). Collection method: clinical testing. Allele origin: germline. Affected: yes.
Comment: This variant is considered likely benign or benign based on one or more of the following criteria: it is a conservative change, it occurs at a poorly conserved position in the protein, it is predicted to be benign by multiple in silico algorithms, and/or has population frequency not consistent with disease.

Breakthrough Genomics
Classification: Benign. Review status: criteria provided, single submitter. Criteria: ACMG Guidelines, 2015. Collection method: not provided. Allele origin: germline. Inheritance: Unknown mechanism. Affected: yes.

NM_001079855.2(GYG2):c.149+17C>T

Gene: GYG2 (glycogenin 2; plus strand). Cytogenetic location: Xp22.33.
Variant type: single nucleotide variant.
Coding change: c.149+17C>T on transcript NM_001079855.2 (MANE Select); 17 bases into the intron after coding-DNA position 149, C replaced by T.
Molecular consequence: intron variant.
Genome position (GRCh38, 1-based): chrX:2,843,371, C>T. VCF-style: chrX-2843371-C-T. GRCh37 (hg19) VCF-style: chrX-2761412-C-T.
Other names: c.242+17C>T (NM_003918.3, NM_001184703.2); c.149+17C>T (NM_001184702.2); c.-316-10609C>T (NM_001184704.2).
Identifiers: ClinVar variation 381850 (VCV000381850.10), dbSNP rs7059573, ClinGen allele CA10337008.